The following is an entry in ClinVar:

ClinVar aggregate classification (germline): Uncertain significance (1 of 4 stars; one submission).

Conditions:
Propionic acidemia (PROP). Also called: GLYCINEMIA, KETOTIC; HYPERGLYCINEMIA WITH KETOACIDOSIS AND LEUKOPENIA; KETOTIC HYPERGLYCINEMIA. Identifiers: Orphanet 35, MedGen C0268579, MONDO:0011628, OMIM 606054, HP:0003571.

Allele frequency attached by ClinVar (database versions not stated): TOPMed below 0.00001; ExAC 0.00007; ESP Exome Variant Server 0.00008.
gnomAD v4.1: 19 of 1,535,768 alleles (0.0012%); highest among the groups gnomAD compares: Non-Finnish European, 0.0016%; no homozygotes.

Submission:

Labcorp Genetics (formerly Invitae), Labcorp
Classification: Uncertain significance for Propionic acidemia. Last evaluated: 2021-09-01. Review status: criteria provided, single submitter. Criteria: Invitae Variant Classification Sherloc (09022015). Collection method: clinical testing. Allele origin: germline.
Comment: This sequence change replaces arginine with tryptophan at codon 6 of the PCCB protein (p.Arg6Trp). The arginine residue is moderately conserved and there is a moderate physicochemical difference between arginine and tryptophan. This variant is present in population databases (rs377681768, ExAC 0.01%). This variant has not been reported in the literature in individuals affected with PCCB-related conditions. Algorithms developed to predict the effect of missense changes on protein structure and function are either unavailable or do not agree on the potential impact of this missense change (SIFT: "Deleterious"; PolyPhen-2: "Not Available"; Align-GVGD: "Class C0"). In summary, the available evidence is currently insufficient to determine the role of this variant in disease. Therefore, it has been classified as a Variant of Uncertain Significance.

NM_000532.5(PCCB):c.16C>T (p.Arg6Trp)

Gene: PCCB (propionyl-CoA carboxylase subunit beta; plus strand). Cytogenetic location: 3q22.3.
Variant type: single nucleotide variant.
Coding change: c.16C>T on transcript NM_000532.5 (MANE Select); coding-DNA position 16, C replaced by T.
Protein change: p.Arg6Trp; replaces arginine 6 with tryptophan.
Molecular consequence: missense variant.
Genome position (GRCh38, 1-based): chr3:136,250,391, C>T. VCF-style: chr3-136250391-C-T. GRCh37 (hg19) VCF-style: chr3-135969233-C-T.
Other names: c.16C>T, p.Arg6Trp (NM_001178014.2); short protein forms R6W.
Identifiers: ClinVar variation 959596 (VCV000959596.7), dbSNP rs377681768, ClinGen allele CA2631546.
Genomic context (GRCh38, chr3:136,250,391, plus strand): 5'-TGCGTACTCAGGTGCGCCGGTAGGGGACGCGCCGGCACAGCAAAAATGGCGGCGGCATTA[C>T]GGGTGGCGGCGGTCGGGGCAAGGCTCAGCGTTCTGGCGAGCGGTCTCCGCGCCGCGGTCC-3'
Protein context (NP_000523.2, residues 1-16): MAAAL[Arg6Trp]VAAVGARLSV